The following is an entry in ClinVar:

ClinVar aggregate classification (germline): Likely benign (0 of 4 stars; one submission).

Conditions:
POU3F2-related disorder. Also called: POU3F2-related condition.

Submission:

PreventionGenetics, part of Exact Sciences
Classification: Likely benign for POU3F2-related condition. Last evaluated: 2019-03-14. Review status: no assertion criteria provided. Collection method: clinical testing. Allele origin: germline.
Comment: This variant is classified as likely benign based on ACMG/AMP sequence variant interpretation guidelines (Richards et al. 2015 PMID: 25741868, with internal and published modifications).

NM_005604.4(POU3F2):c.719CGCCCCCGC[1] (p.Pro243_Pro245del)

Gene: POU3F2 (POU class 3 homeobox 2; plus strand). Cytogenetic location: 6q16.1.
Variant type: Microsatellite.
Coding change: c.719CGCCCCCGC[1] on transcript NM_005604.4 (MANE Select); one copy of the 9-base unit CGCCCCCGC starting at c.719; the reference has two copies in a row; one copy, 9 bases deleted.
Protein change: p.Pro243_Pro245del.
Genome position (GRCh38, 1-based): chr6:98,835,601-98,835,609, CGCCCCCGC deleted; deleting any 9 consecutive bases within chr6:98,835,588-98,835,609 gives the same sequence; the position shown is the placement nearest the transcript's 3' end. VCF-style (leftmost placement, unchanged base first): chr6-98835587-GCCGCCGCCC-G. GRCh37 (hg19) VCF-style: chr6-99283463-GCCGCCGCCC-G.
Identifiers: ClinVar variation 3058389 (VCV003058389.2), dbSNP rs371685985, ClinGen allele CA3933229.